The following is an entry in ClinVar:

ClinVar aggregate classification (germline): Likely benign. Review status: criteria provided, multiple submitters, no conflicts (2 of 4 stars). 2 submissions from 2 submitters: Likely benign (2). Last evaluated 2025-07-01.

gnomAD v4.1: 3,084 of 1,613,644 alleles (0.19%); highest among the groups gnomAD compares: Non-Finnish European, 0.25%; 2 homozygotes.

Submissions (2):

CeGaT Center for Human Genetics Tuebingen
Classification: Likely benign. Last evaluated: 2025-07-01. Review status: criteria provided, single submitter. Criteria: CeGaT Center For Human Genetics Tuebingen Variant Classification Criteria Version 2. Collection method: clinical testing. Allele origin: germline. Affected: yes. Observed: 1 variant allele.
Comment: SPEF2: BP4, BP7

Blueprint Genetics
Classification: Likely benign. Last evaluated: 2024-11-14. Review status: criteria provided, single submitter. Criteria: ACMG Guidelines, 2015. Collection method: clinical testing. Allele origin: germline.

NM_024867.4(SPEF2):c.3744C>T (p.Ala1248=)

Gene: SPEF2 (sperm flagellar and cilia associated 2; plus strand). Cytogenetic location: 5p13.2.
Variant type: single nucleotide variant.
Coding change: c.3744C>T on transcript NM_024867.4 (MANE Select); coding-DNA position 3744, C replaced by T.
Protein change: p.Ala1248=; no amino-acid change (alanine 1248 retained).
Molecular consequence: synonymous variant.
Genome position (GRCh38, 1-based): chr5:35,763,645, C>T. VCF-style: chr5-35763645-C-T. GRCh37 (hg19) VCF-style: chr5-35763747-C-T.
Identifiers: ClinVar variation 4083783 (VCV004083783.9).